The following is an entry in ClinVar:

ClinVar aggregate classification (germline): Benign. Review status: criteria provided, multiple submitters, no conflicts (2 of 4 stars). 2 submissions from 2 submitters: Benign (2). Last evaluated 2026-04-01.

Allele frequency attached by ClinVar (database versions not stated): 1000 Genomes Project 0.00459; 1000 Genomes Project 30x 0.00500; gnomAD 0.00631; TOPMed 0.00705; ESP Exome Variant Server 0.00946.
gnomAD v4.1: 18,169 of 1,613,796 alleles (1.1%); highest among the groups gnomAD compares: Non-Finnish European, 1.3%; 128 homozygotes.

Submissions (2):

CeGaT Center for Human Genetics Tuebingen
Classification: Benign. Last evaluated: 2026-04-01. Review status: criteria provided, single submitter. Criteria: CeGaT Center For Human Genetics Tuebingen Variant Classification Criteria Version 2. Collection method: clinical testing. Allele origin: germline. Affected: yes. Observed: 1 variant allele.
Comment: MICAL1: BP4, BP7, BS1, BS2

Labcorp Genetics (formerly Invitae), Labcorp
Classification: Benign. Last evaluated: 2026-02-03. Review status: criteria provided, single submitter. Criteria: Invitae Variant Classification Sherloc (09022015). Collection method: clinical testing. Allele origin: germline.

NM_022765.4(MICAL1):c.2274G>A (p.Ala758=)

Gene: MICAL1 (microtubule associated monooxygenase, calponin and LIM domain containing 1; minus strand). Cytogenetic location: 6q21.
Variant type: single nucleotide variant.
Coding change: c.2274G>A on transcript NM_022765.4 (MANE Select); coding-DNA position 2274, G replaced by A.
Protein change: p.Ala758=; no amino-acid change (alanine 758 retained).
Molecular consequence: synonymous variant.
Genome position (GRCh38, 1-based): chr6:109,446,726, C>T on the plus strand (G>A on the coding strand, the complement: MICAL1 is on the minus strand). VCF-style: chr6-109446726-C-T. GRCh37 (hg19) VCF-style: chr6-109767929-C-T.
Other names: c.2016G>A, p.Ala672= (NM_001159291.2); c.2331G>A, p.Ala777= (NM_001286613.2).
Identifiers: ClinVar variation 786537 (VCV000786537.12), dbSNP rs41288556, ClinGen allele CA3952990.